The following is an entry in ClinVar:

NM_032634.4(PIGO):c.370C>G (p.Gln124Glu)

Gene: PIGO (phosphatidylinositol glycan anchor biosynthesis class O; minus strand). Cytogenetic location: 9p13.3.
Variant type: single nucleotide variant.
Coding change: c.370C>G on transcript NM_032634.4 (MANE Select); coding-DNA position 370, C replaced by G.
Protein change: p.Gln124Glu; replaces glutamine 124 with glutamic acid.
Molecular consequence: missense variant.
Genome position (GRCh38, 1-based): chr9:35,095,196, G>C on the plus strand (C>G on the coding strand, the complement: PIGO is on the minus strand). VCF-style: chr9-35095196-G-C. GRCh37 (hg19) VCF-style: chr9-35095193-G-C.
Other names: c.370C>G, p.Gln124Glu (NM_001201484.2, NM_152850.4); short protein forms Q124E.
Identifiers: ClinVar variation 2417688 (VCV002417688.6), dbSNP rs2490477492, ClinGen allele CA373324431.

ClinVar aggregate classification (germline): Uncertain significance (1 of 4 stars; one submission).

Conditions:
Hyperphosphatasia with impaired intellectual development syndrome 2. Also called: Hyperphosphatasia with intellectual disability syndrome 2; GLYCOSYLPHOSPHATIDYLINOSITOL BIOSYNTHESIS DEFECT 6. Identifiers: Orphanet 247262, MedGen C3553637, MONDO:0013882, OMIM 614749.

Submission:

Labcorp Genetics (formerly Invitae), Labcorp
Classification: Uncertain significance for Hyperphosphatasia with impaired intellectual development syndrome 2. Last evaluated: 2022-08-09. Review status: criteria provided, single submitter. Criteria: Invitae Variant Classification Sherloc (09022015). Collection method: clinical testing. Allele origin: germline.
Comment: In summary, the available evidence is currently insufficient to determine the role of this variant in disease. Therefore, it has been classified as a Variant of Uncertain Significance. Algorithms developed to predict the effect of missense changes on protein structure and function (SIFT, PolyPhen-2, Align-GVGD) all suggest that this variant is likely to be tolerated. This variant has not been reported in the literature in individuals affected with PIGO-related conditions. This variant is not present in population databases (gnomAD no frequency). This sequence change replaces glutamine, which is neutral and polar, with glutamic acid, which is acidic and polar, at codon 124 of the PIGO protein (p.Gln124Glu).